The following is an entry in ClinVar:

ClinVar aggregate classification (germline): Likely pathogenic (1 of 4 stars; one submission).

Conditions:
DeSanto-Shinawi syndrome due to WAC point mutation (DESSH). Also called: Facial dysmorphism-developmental delay-behavioral abnormalities syndrome due to WAC point mutation; WAC-Related Intellectual Disability; DEVELOPMENTAL DELAY, BEHAVIORAL ABNORMALITIES, FACIAL DYSMORPHISM, AND OCULAR ABNORMALITIES. Identifiers: Orphanet 284169, Orphanet 466950, MedGen C5681129, MONDO:0014741, OMIM 616708.

Submission:

3billion
Classification: Likely pathogenic for DeSanto-Shinawi syndrome due to WAC point mutation. Last evaluated: 2024-09-26. Review status: criteria provided, single submitter. Criteria: ACMG Guidelines, 2015. Collection method: clinical testing. Allele origin: germline. Affected: yes.
Comment: The variant is not observed in the gnomAD v4.0.0 dataset. Predicted Consequence/Location: Frameshift: predicted to result in a loss or disruption of normal protein function through nonsense-mediated decay (NMD) or protein truncation. Multiple pathogenic variants are reported downstream of the variant. Therefore, this variant is classified as Likely pathogenic according to the recommendation of ACMG/AMP guideline.

NM_016628.5(WAC):c.1477_1480del (p.Ser493fs)

Gene: WAC (WW domain containing adaptor with coiled-coil; plus strand). Cytogenetic location: 10p12.1.
Variant type: Deletion.
Coding change: c.1477_1480del on transcript NM_016628.5 (MANE Select); coding-DNA positions 1477 to 1480, 4 bases deleted (TCAG; older notation c.1477_1480delTCAG).
Protein change: p.Ser493fs; shifts the reading frame from serine 493.
Molecular consequence: frameshift variant.
Genome position (GRCh38, 1-based): chr10:28,614,606-28,614,609, TCAG deleted; deleting any 4 consecutive bases within chr10:28,614,603-28,614,609 gives the same sequence; the c. name uses the placement nearest the transcript's 3' end. VCF-style (leftmost placement, unchanged base first): chr10-28614602-ACAGT-A. GRCh37 (hg19) VCF-style: chr10-28903531-ACAGT-A.
Other names: c.1342_1345del, p.Ser448fs (NM_100264.3); c.1168_1171del, p.Ser390fs (NM_100486.4); short protein forms S390fs, S448fs, S493fs.
Identifiers: ClinVar variation 4292273 (VCV004292273.1).
Genomic context (GRCh38, chr10:28,614,602, plus strand): 5'-ATCTCACCAGATTTTGACATTTCAGGTTAGTACTCCAGTAGTTAAGCAAGGACCAGTGTC[ACAGT>A]CAGCCACACAGCAGCCTGTAACTGCTGACAAGCAGCAAGGTCATGAACCTGTCTCTCCTC-3'